The following is an entry in ClinVar:

NM_015466.4(PTPN23):c.1699C>T (p.Arg567Trp)

Gene: PTPN23 (protein tyrosine phosphatase non-receptor type 23; plus strand). Cytogenetic location: 3p21.31.
Variant type: single nucleotide variant.
Coding change: c.1699C>T on transcript NM_015466.4 (MANE Select); coding-DNA position 1699, C replaced by T.
Protein change: p.Arg567Trp; replaces arginine 567 with tryptophan.
Molecular consequence: missense variant.
Genome position (GRCh38, 1-based): chr3:47,409,219, C>T. VCF-style: chr3-47409219-C-T. GRCh37 (hg19) VCF-style: chr3-47450709-C-T.
Other names: c.1321C>T, p.Arg441Trp (NM_001304482.2); short protein forms R441W, R567W.
Identifiers: ClinVar variation 3940552 (VCV003940552.2).

ClinVar aggregate classification (germline): Uncertain significance. Review status: criteria provided, multiple submitters, no conflicts (2 of 4 stars). 2 submissions from 2 submitters: Uncertain significance (2). Last evaluated 2026-04-26.

Conditions:
Inborn genetic diseases. Identifiers: MedGen C0950123, MeSH D030342.

gnomAD v4.1: 7 of 1,614,018 alleles (0.00043%); highest among the groups gnomAD compares: African/African-American, 0.0027%; no homozygotes.

Submissions (2):

GeneDx
Classification: Uncertain significance. Last evaluated: 2026-04-26. Review status: criteria provided, single submitter. Criteria: GeneDx Variant Classification Process June 2021. Collection method: clinical testing. Allele origin: germline.
Comment: In silico analysis supports that this missense variant has a deleterious effect on protein structure/function; Has not been previously published as pathogenic or benign to our knowledge

Ambry Genetics
Classification: Uncertain significance for Inborn genetic diseases. Last evaluated: 2025-04-02. Review status: criteria provided, single submitter. Criteria: Ambry Variant Classification Scheme 2023. Collection method: clinical testing. Allele origin: germline.